The following is an entry in ClinVar:

NM_003159.3(CDKL5):c.2741_2742del (p.Arg914fs)

Genes: CDKL5 (cyclin dependent kinase like 5; plus strand), RS1 (retinoschisin 1; minus strand). Cytogenetic location: Xp22.13.
Variant type: Microsatellite.
Coding change: c.2741_2742del on transcript NM_003159.3; coding-DNA positions 2741 to 2742, 2 bases deleted (GA; older notation c.2741_2742delGA).
Protein change: p.Arg914fs; shifts the reading frame from arginine 914.
Molecular consequence: frameshift variant. On other transcripts: intron variant (1).
Genome position (GRCh38, 1-based): chrX:18,646,034-18,646,035, GA deleted; deleting any 2 consecutive bases within chrX:18,646,031-18,646,035 gives the same sequence; the c. name uses the placement nearest the transcript's 3' end. VCF-style (leftmost placement, unchanged base first): chrX-18646030-CAG-C. GRCh37 (hg19) VCF-style: chrX-18664150-CAG-C.
Other names: c.2741_2742del, p.Arg914fs (NM_001037343.2); c.326+1159_326+1160del (NM_000330.4); short protein forms R914fs.
Identifiers: ClinVar variation 2936727 (VCV002936727.4), dbSNP rs2518921932, ClinGen allele CA2507581730.
Genomic context (GRCh38, chrX:18,646,030, plus strand): 5'-GCACTCTGCTGCTCTTTTGTTTCTCCCCACTAACTAGACGGTGGATGTGATGGCAGAAGA[CAG>C]AGACACCATTCTGGACCCCAAGATAGACGCTTCATGTTAAGGACGACAGAACAACAAGGT-3'

ClinVar aggregate classification (germline): Uncertain significance. Review status: criteria provided, multiple submitters, no conflicts (2 of 4 stars). 2 submissions from 2 submitters: Uncertain significance (2). Last evaluated 2025-10-09.

Conditions:
Developmental and epileptic encephalopathy, 2 (DEE2). Also called: INFANTILE SPASM SYNDROME, X-LINKED 2; CDKL5 deficiency disorder. Identifiers: Orphanet 1934, Orphanet 3451, Orphanet 505652, MedGen C4750718, MONDO:0010396, OMIM 300672.
Angelman syndrome-like. Identifiers: MedGen CN128785.

Submissions (2):

GeneDx
Classification: Uncertain significance. Last evaluated: 2025-10-09. Review status: criteria provided, single submitter. Criteria: GeneDx Variant Classification Process June 2021. Collection method: clinical testing. Allele origin: germline. Affected: yes.
Comment: Not observed at significant frequency in large population cohorts (gnomAD); Frameshift variant located in a region of CDKL5 within the C-terminus where loss of function variants are generally not pathogenic (PMID: 21748340, 23756444, 34837432); Has not been previously published as pathogenic or benign to our knowledge

Labcorp Genetics (formerly Invitae), Labcorp
Classification: Uncertain significance for Developmental and epileptic encephalopathy, 2; Angelman syndrome-like. Last evaluated: 2025-02-24. Review status: criteria provided, single submitter. Criteria: Invitae Variant Classification Sherloc (09022015). Collection method: clinical testing. Allele origin: germline.
Comment: This sequence change creates a premature translational stop signal (p.Arg914Thrfs*8) in the CDKL5 gene. However, it is currently unclear if variants that occur in this region of the gene cause disease. This variant is not present in population databases (gnomAD no frequency). This variant has not been reported in the literature in individuals affected with CDKL5-related conditions. In summary, the available evidence is currently insufficient to determine the role of this variant in disease. Therefore, it has been classified as a Variant of Uncertain Significance.